The following is an entry in ClinVar:

ClinVar aggregate classification (germline): Conflicting classifications of pathogenicity. Review status: criteria provided, conflicting classifications (1 of 4 stars). 4 submissions from 4 submitters: Uncertain significance (2); Likely benign (2). Last evaluated 2025-03-07.

Conditions:
ALG8-related disorder.
ALG8 congenital disorder of glycosylation. Also called: CONGENITAL DISORDER OF GLYCOSYLATION, TYPE Ih; ALG8-CDG; CDG Ih. Identifiers: Orphanet 79325, MedGen C2931002, MONDO:0011969, OMIM 608104.
Polycystic liver disease 3 with or without kidney cysts. Identifiers: MedGen C4693472, MONDO:0054743, OMIM 617874.

Allele frequency attached by ClinVar (database versions not stated): TOPMed below 0.00001; gnomAD 0.00001 and 0.00004; gnomAD exomes 0.00018 and 0.00030; 1000 Genomes Project 30x 0.00031; ExAC 0.00031.
gnomAD v4.1: 269 of 1,613,964 alleles (0.017%); highest among the groups gnomAD compares: South Asian, 0.26%; 1 homozygote.

Submissions (4):

Labcorp Genetics (formerly Invitae), Labcorp
Classification: Likely benign for ALG8 congenital disorder of glycosylation. Last evaluated: 2025-03-07. Review status: criteria provided, single submitter. Criteria: Invitae Variant Classification Sherloc (09022015). Collection method: clinical testing. Allele origin: germline.

PreventionGenetics, part of Exact Sciences
Classification: Likely benign for ALG8-related condition. Last evaluated: 2025-02-25. Review status: criteria provided, single submitter. Criteria: ACMG Guidelines, 2015. Collection method: clinical testing. Allele origin: germline.
Comment: This variant is classified as likely benign based on ACMG/AMP sequence variant interpretation guidelines (Richards et al. 2015 PMID: 25741868, with internal and published modifications).

Fulgent Genetics
Classification: Uncertain significance for ALG8 congenital disorder of glycosylation; Polycystic liver disease 3 with or without kidney cysts. Last evaluated: 2024-03-21. Review status: criteria provided, single submitter. Criteria: ACMG Guidelines, 2015. Collection method: clinical testing. Allele origin: germline.

Illumina Laboratory Services, Illumina
Classification: Uncertain significance for ALG8 congenital disorder of glycosylation. Last evaluated: 2018-01-12. Review status: criteria provided, single submitter. Criteria: ICSL Variant Classification Criteria 13 December 2019. Collection method: clinical testing. Allele origin: germline.

NM_024079.5(ALG8):c.1460A>G (p.Tyr487Cys)

Gene: ALG8 (ALG8 alpha-1,3-glucosyltransferase; minus strand). Cytogenetic location: 11q14.1.
Variant type: single nucleotide variant.
Coding change: c.1460A>G on transcript NM_024079.5 (MANE Select); coding-DNA position 1460, A replaced by G.
Protein change: p.Tyr487Cys; replaces tyrosine 487 with cysteine.
Molecular consequence: missense variant. On other transcripts: 3 prime UTR variant (1).
Genome position (GRCh38, 1-based): chr11:78,101,085, T>C on the plus strand (A>G on the coding strand, the complement: ALG8 is on the minus strand). VCF-style: chr11-78101085-T-C. GRCh37 (hg19) VCF-style: chr11-77812131-T-C.
Other names: c.*131A>G (NM_001007027.3); short protein forms Y487C.
Identifiers: ClinVar variation 306211 (VCV000306211.15), dbSNP rs777557874, ClinGen allele CA6203119.